The following is an entry in ClinVar:

ClinVar aggregate classification (germline): Conflicting classifications of pathogenicity. Review status: criteria provided, conflicting classifications (1 of 4 stars). 9 submissions from 9 submitters: Pathogenic (1); Likely pathogenic (6); Uncertain significance (2). Last evaluated 2025-12-23.

Conditions:
AQP2-related disorder. Also called: AQP2-related condition.
Nephrogenic diabetes insipidus. Identifiers: Orphanet 223, MedGen C0162283, MONDO:0016383, HP:0009806.
Diabetes insipidus, nephrogenic, autosomal (NDI2). Also called: Nephrogenic Diabetes Insipidus, Type II; Diabetes insipidus, nephrogenic, 2, autosomal. Identifiers: Orphanet 223, MedGen C1563706, MONDO:0007451, OMIM 125800.

Allele frequency attached by ClinVar (database versions not stated): TOPMed 0.00001; ExAC 0.00002.
gnomAD v4.1: 23 of 1,606,638 alleles (0.0014%); highest among the groups gnomAD compares: Middle Eastern, 0.017%; no homozygotes.

Submissions (9):

Natera, Inc.
Classification: Likely pathogenic for Nephrogenic diabetes insipidus. Last evaluated: 2025-12-23. Review status: criteria provided, single submitter. Criteria: Natera Variant Classification Schema (03/2026). Collection method: clinical testing. Allele origin: germline.
Comment: The c.450T>A variant in AQP2 is a missense variant predicted to cause substitution of aspartic acid to glutamic acid at amino acid 150. This variant is rare in the general population with a frequency below the threshold expected for the associated phenotype(s). This variant has been observed in one or more individuals affected with the associated recessive disease, as either homozygous or compound heterozygous with a second variant (PMID: 19458121, 38622833, 17192724). This variant has been identified in one or more affected individual with a phenotype highly consistent with the associated gene (PMID: 38622833). Functional studies show that this variant may disrupt protein function (PMID: 19458121). Computational prediction algorithms indicate this variant is likely to affect gene or protein function. Given the available evidence, this variant is classified as Likely Pathogenic.

Labcorp Genetics (formerly Invitae), Labcorp
Classification: Likely pathogenic. Last evaluated: 2025-08-29. Review status: criteria provided, single submitter. Criteria: Invitae Variant Classification Sherloc (09022015). Collection method: clinical testing. Allele origin: germline.
Comment: This sequence change replaces aspartic acid, which is acidic and polar, with glutamic acid, which is acidic and polar, at codon 150 of the AQP2 protein (p.Asp150Glu). This variant is present in population databases (rs770932012, gnomAD 0.004%). This missense change has been observed in individual(s) with autosomal recessive nephrogenic diabetes insipidus (PMID: 17192724, 19458121, 38622833). It has also been observed to segregate with disease in related individuals. ClinVar contains an entry for this variant (Variation ID: 441134). Invitae Evidence Modeling of protein sequence and biophysical properties (such as structural, functional, and spatial information, amino acid conservation, physicochemical variation, residue mobility, and thermodynamic stability) indicates that this missense variant is not expected to disrupt AQP2 protein function with a negative predictive value of 80%. Experimental studies have shown that this missense change affects AQP2 function (PMID: 17192724, 19458121, 27641679). In summary, the currently available evidence indicates that the variant is pathogenic, but additional data are needed to prove that conclusively. Therefore, this variant has been classified as Likely Pathogenic.

Revvity Omics, Revvity
Classification: Likely pathogenic for Diabetes insipidus, nephrogenic, autosomal. Last evaluated: 2024-12-10. Review status: criteria provided, single submitter. Criteria: ACMG Guidelines, 2015. Collection method: clinical testing. Allele origin: germline.

Blueprint Genetics
Classification: Likely pathogenic for AQP2-related disorders. Last evaluated: 2024-11-25. Review status: criteria provided, single submitter. Criteria: ACMG Guidelines, 2015. Collection method: clinical testing. Allele origin: germline. Affected: yes. Observed: 4 variant alleles.

CeGaT Center for Human Genetics Tuebingen
Classification: Uncertain significance. Last evaluated: 2024-11-01. Review status: criteria provided, single submitter. Criteria: CeGaT Center For Human Genetics Tuebingen Variant Classification Criteria Version 2. Collection method: clinical testing. Allele origin: germline. Affected: yes. Observed: 1 variant allele.
Comment: AQP2: PM2, PM3:Supporting, PS3:Supporting

MVZ Medizinische Genetik Mainz
Classification: Pathogenic for Diabetes insipidus, nephrogenic, autosomal. Last evaluated: 2024-07-24. Review status: criteria provided, single submitter. Criteria: UK Practice Guidelines For Variant Classification V4 01 2020. Collection method: clinical testing. Allele origin: germline. Inheritance: Autosomal recessive inheritance. Affected: yes. Observed: 1 variant allele.
Comment: ACMG Criteria: PS3,PM3_STR,PP1_MOD,PM2_SUP,PP3,PP4

GeneDx
Classification: Uncertain significance. Last evaluated: 2024-02-15. Review status: criteria provided, single submitter. Criteria: GeneDx Variant Classification Process June 2021. Collection method: clinical testing. Allele origin: germline. Affected: yes.
Comment: Published functional studies suggest this variant leads to decreased targeting at the plasma membrane compared to wildtype (PMID: 19458121, 27641679, 17192724, 17079335); In silico analysis supports that this missense variant has a deleterious effect on protein structure/function; This variant is associated with the following publications: (PMID: 19458121, 34426522, 27641679, 22474537, 17192724, 17079335, 31627650, 18470935)

Fulgent Genetics
Classification: Likely pathogenic for Diabetes insipidus, nephrogenic, autosomal. Last evaluated: 2023-12-23. Review status: criteria provided, single submitter. Criteria: ACMG Guidelines, 2015. Collection method: clinical testing. Allele origin: germline.

Illumina Laboratory Services, Illumina
Classification: Likely pathogenic for Diabetes insipidus, nephrogenic, autosomal. Last evaluated: 2018-08-16. Review status: criteria provided, single submitter. Criteria: ICSL Variant Classification Criteria 09 May 2019. Collection method: clinical testing. Allele origin: germline.
Comment: The AQP2 c.540T>A (p.Asp150Glu) missense variant has been reported in two studies in which it is found in a total of five individuals diagnosed with recessive nephrogenic diabetes insipidus, including in one homozygote and four compound heterozygotes, three of whom are related (Iolascon et al. 2007; Guyon et al. 2009). The variant was also found in a heterozygous state in a total of four unaffected family members of affected individuals. The p.Asp150Glu variant was absent from 100 healthy controls but is reported at a frequency of 0.000045 in the European (non-Finnish) population of the Genome Aggregation Database. Iolascon et al. (2007) used mouse duct cells to show that the p.Asp150Glu variant protein localized to the endoplasmic reticulum instead of to the plasma membrane like wild type, and has a high degree of co-localization with calnexin. Studies in Xenopus oocytes showed limited expression at the plasma membrane of the variant protein and 1/30th of the water permeability of wild type (Guyon et al. 2009). El Tarazi et al. (2016) co-expressed the variant protein along with wild type in Xenopus oocytes and mpkCCD cell models and determined that co-expression allowed for targeting recovery to the plasma membrane at a rate of three times what was seen with the variant protein alone. Based on the collective evidence, the p.Asp150Glu variant is classified as likely pathogenic for nephrogenic diabetes insipidus. This variant was observed by ICSL as part of a predisposition screen in an ostensibly healthy population.

Literature cited by the submitters: PubMed 19458121 (cited by 3 submitters); PubMed 38622833 (cited by Natera, Inc. and Labcorp Genetics (formerly Invitae), Labcorp); PubMed 17192724 (cited by 3 submitters); PubMed 27641679 (cited by Labcorp Genetics (formerly Invitae), Labcorp and Illumina Laboratory Services, Illumina).

NM_000486.6(AQP2):c.450T>A (p.Asp150Glu)

Genes: AQP2 (aquaporin 2; plus strand), AQP5-AS1 (AQP5 and AQP2 antisense RNA 2; minus strand). Cytogenetic location: 12q13.12.
Variant type: single nucleotide variant.
Coding change: c.450T>A on transcript NM_000486.6 (MANE Select); coding-DNA position 450, T replaced by A.
Protein change: p.Asp150Glu; replaces aspartic acid 150 with glutamic acid.
Molecular consequence: missense variant. On other transcripts: non-coding transcript variant (1).
Genome position (GRCh38, 1-based): chr12:49,954,244, T>A. VCF-style: chr12-49954244-T-A. GRCh37 (hg19) VCF-style: chr12-50348027-T-A.
Other names: short protein forms D150E.
Identifiers: ClinVar variation 441134 (VCV000441134.33), dbSNP rs770932012, ClinGen allele CA6559247.